The following is an entry in ClinVar:

ClinVar aggregate classification (germline): Conflicting classifications of pathogenicity. Review status: criteria provided, conflicting classifications (1 of 4 stars). 6 submissions from 6 submitters: Uncertain significance (5); Likely benign (1). Last evaluated 2026-04-13.

Conditions:
Short QT syndrome type 3. Identifiers: Orphanet 51083, MedGen C1865018, MONDO:0012314, OMIM 609622.
Andersen Tawil syndrome (LQT7). Also called: LONG QT SYNDROME 7; ANDERSEN CARDIODYSRHYTHMIC PERIODIC PARALYSIS; Andersen Syndrome; PERIODIC PARALYSIS, POTASSIUM-SENSITIVE CARDIODYSRHYTHMIC TYPE; Potassium-sensitive periodic paralysis, ventricular ectopy, and dysmorphic features. Identifiers: Orphanet 37553, MedGen C1563715, MONDO:0008222, OMIM 170390.
KCNJ2-related disorder. Also called: KCNJ2-related condition.
Cardiovascular phenotype. Identifiers: MedGen CN230736.

Allele frequency attached by ClinVar (database versions not stated): TOPMed 0.00007; gnomAD 0.00003.

Submissions (6):

PreventionGenetics, part of Exact Sciences
Classification: Uncertain significance for KCNJ2-related condition. Last evaluated: 2026-04-13. Review status: criteria provided, single submitter. Criteria: ACMG Guidelines, 2015. Collection method: clinical testing. Allele origin: germline.
Comment: The KCNJ2 c.1205C>T variant is predicted to result in the amino acid substitution p.Thr402Met. To our knowledge, this variant has not been reported in the literature. This variant is reported in 0.017% of alleles in individuals of Latino descent in gnomAD. At this time, the clinical significance of this variant is uncertain due to the absence of conclusive functional and genetic evidence.

Labcorp Genetics (formerly Invitae), Labcorp
Classification: Uncertain significance for Short QT syndrome type 3; Andersen Tawil syndrome. Last evaluated: 2026-01-19. Review status: criteria provided, single submitter. Criteria: Invitae Variant Classification Sherloc (09022015). Collection method: clinical testing. Allele origin: germline.
Comment: This sequence change replaces threonine, which is neutral and polar, with methionine, which is neutral and non-polar, at codon 402 of the KCNJ2 protein (p.Thr402Met). This variant is present in population databases (rs759070406, gnomAD 0.02%). This variant has not been reported in the literature in individuals affected with KCNJ2-related conditions. ClinVar contains an entry for this variant (Variation ID: 518798). Invitae Evidence Modeling of protein sequence and biophysical properties (such as structural, functional, and spatial information, amino acid conservation, physicochemical variation, residue mobility, and thermodynamic stability) indicates that this missense variant is not expected to disrupt KCNJ2 protein function with a negative predictive value of 95%. In summary, the available evidence is currently insufficient to determine the role of this variant in disease. Therefore, it has been classified as a Variant of Uncertain Significance.

Mayo Clinic Laboratories, Mayo Clinic
Classification: Uncertain significance. Last evaluated: 2025-11-14. Review status: criteria provided, single submitter. Criteria: ACMG Guidelines, 2015. Collection method: clinical testing. Allele origin: germline. Observed: 1 variant allele.
Comment: BP4

Blueprint Genetics
Classification: Likely benign. Last evaluated: 2024-07-08. Review status: criteria provided, single submitter. Criteria: ACMG Guidelines, 2015. Collection method: clinical testing. Allele origin: germline.

Ambry Genetics
Classification: Uncertain significance for Cardiovascular phenotype. Last evaluated: 2022-04-14. Review status: criteria provided, single submitter. Criteria: Ambry Variant Classification Scheme 2023. Collection method: clinical testing. Allele origin: germline.
Comment: The p.T402M variant (also known as c.1205C>T), located in coding exon 1 of the KCNJ2 gene, results from a C to T substitution at nucleotide position 1205. The threonine at codon 402 is replaced by methionine, an amino acid with similar properties. This amino acid position is not well conserved in available vertebrate species, and methionine is the reference amino acid in other vertebrate species. In addition, this alteration is predicted to be tolerated by in silico analysis. Since supporting evidence is limited at this time, the clinical significance of this variant remains unclear.

Molecular Diagnostic Laboratory for Inherited Cardiovascular Disease, Montreal Heart Institute
Classification: Uncertain significance. Last evaluated: 2017-04-10. Review status: criteria provided, single submitter. Criteria: ACMG Guidelines, 2015. Collection method: clinical testing. Allele origin: germline. Affected: yes.

NM_000891.3(KCNJ2):c.1205C>T (p.Thr402Met)

Gene: KCNJ2 (potassium inwardly rectifying channel subfamily J member 2; plus strand). Cytogenetic location: 17q24.3.
Variant type: single nucleotide variant.
Coding change: c.1205C>T on transcript NM_000891.3 (MANE Select); coding-DNA position 1205, C replaced by T.
Protein change: p.Thr402Met; replaces threonine 402 with methionine.
Molecular consequence: missense variant.
Genome position (GRCh38, 1-based): chr17:70,176,244, C>T. VCF-style: chr17-70176244-C-T. GRCh37 (hg19) VCF-style: chr17-68172385-C-T.
Other names: p.Thr402Met; short protein forms T402M.
Identifiers: ClinVar variation 518798 (VCV000518798.16), dbSNP rs759070406, ClinGen allele CA8738803.
Genomic context (GRCh38, chr17:70,176,244, plus strand): 5'-TCACAAGCAAAGAGGAAGACGACAGTGAAAATGGAGTTCCAGAAAGCACTAGTACGGACA[C>T]GCCCCCTGACATAGACCTTCACAACCAGGCAAGTGTACCTCTAGAGCCCAGGCCCTTACG-3'
Protein context (NP_000882.1, residues 392-412): NGVPESTSTD[Thr402Met]PPDIDLHNQA